The following is an entry in ClinVar:

NM_020247.5(COQ8A):c.1843G>A (p.Gly615Ser)

Gene: COQ8A (coenzyme Q8A; plus strand). Cytogenetic location: 1q42.13.
Variant type: single nucleotide variant.
Coding change: c.1843G>A on transcript NM_020247.5 (MANE Select); coding-DNA position 1843, G replaced by A.
Protein change: p.Gly615Ser; replaces glycine 615 with serine.
Molecular consequence: missense variant.
Genome position (GRCh38, 1-based): chr1:226,986,636, G>A. VCF-style: chr1-226986636-G-A. GRCh37 (hg19) VCF-style: chr1-227174337-G-A.
Other names: short protein forms G615S.
Identifiers: ClinVar variation 2119814 (VCV002119814.4), dbSNP rs2528413058, ClinGen allele CA345057089.

ClinVar aggregate classification (germline): Uncertain significance (1 of 4 stars; one submission).

Allele frequency attached by ClinVar (database versions not stated): gnomAD exomes below 0.00001.
gnomAD v4.1: 2 of 1,613,962 alleles (0.00012%); highest among the groups gnomAD compares: South Asian, 0.0011%; no homozygotes.

Submission:

Labcorp Genetics (formerly Invitae), Labcorp
Classification: Uncertain significance. Last evaluated: 2022-03-31. Review status: criteria provided, single submitter. Criteria: Invitae Variant Classification Sherloc (09022015). Collection method: clinical testing. Allele origin: germline.
Comment: In summary, the available evidence is currently insufficient to determine the role of this variant in disease. Therefore, it has been classified as a Variant of Uncertain Significance. Advanced modeling of protein sequence and biophysical properties (such as structural, functional, and spatial information, amino acid conservation, physicochemical variation, residue mobility, and thermodynamic stability) performed at Invitae indicates that this missense variant is expected to disrupt COQ8A protein function. This variant has not been reported in the literature in individuals affected with COQ8A-related conditions. This variant is not present in population databases (gnomAD no frequency). This sequence change replaces glycine, which is neutral and non-polar, with serine, which is neutral and polar, at codon 615 of the COQ8A protein (p.Gly615Ser).